The following is an entry in ClinVar:

ClinVar aggregate classification (germline): Uncertain significance (1 of 4 stars; one submission).

Submission:

Labcorp Genetics (formerly Invitae), Labcorp
Classification: Uncertain significance. Last evaluated: 2024-01-12. Review status: criteria provided, single submitter. Criteria: Invitae Variant Classification Sherloc (09022015). Collection method: clinical testing. Allele origin: germline.
Comment: This sequence change replaces proline, which is neutral and non-polar, with leucine, which is neutral and non-polar, at codon 564 of the MKL1 protein (p.Pro564Leu). This variant is not present in population databases (gnomAD no frequency). This variant has not been reported in the literature in individuals affected with MKL1-related conditions. An algorithm developed to predict the effect of missense changes on protein structure and function (PolyPhen-2) suggests that this variant is likely to be tolerated. In summary, the available evidence is currently insufficient to determine the role of this variant in disease. Therefore, it has been classified as a Variant of Uncertain Significance.

NM_020831.6(MRTFA):c.1991C>T (p.Pro664Leu)

Gene: MRTFA (myocardin related transcription factor A; minus strand). Cytogenetic location: 22q13.1.
Variant type: single nucleotide variant.
Coding change: c.1991C>T on transcript NM_020831.6 (MANE Select); coding-DNA position 1991, C replaced by T.
Protein change: p.Pro664Leu; replaces proline 664 with leucine.
Molecular consequence: missense variant.
Genome position (GRCh38, 1-based): chr22:40,418,747, G>A on the plus strand (C>T on the coding strand, the complement: MRTFA is on the minus strand). VCF-style: chr22-40418747-G-A. GRCh37 (hg19) VCF-style: chr22-40814751-G-A.
Other names: c.1691C>T, p.Pro564Leu (NM_001282660.2); c.1841C>T, p.Pro614Leu (NM_001282661.3); c.1991C>T, p.Pro664Leu (NM_001282662.3); c.1796C>T, p.Pro599Leu (NM_001318139.2); short protein forms P564L, P599L, P614L, P664L.
Identifiers: ClinVar variation 2709069 (VCV002709069.3), dbSNP rs2517814442, ClinGen allele CA411658936.